The following is an entry in ClinVar:

ClinVar aggregate classification (germline): Benign (0 of 4 stars; one submission).

Conditions:
ACSL4-related disorder. Also called: ACSL4-related condition.

Allele frequency attached by ClinVar (database versions not stated): 1000 Genomes Project 30x 0.00250; 1000 Genomes Project 0.00291; gnomAD 0.00320; ESP Exome Variant Server 0.00360; TOPMed 0.00363.
gnomAD v4.1: 667 of 1,209,790 alleles (0.055%); highest among the groups gnomAD compares: African/African-American, 1.1%; 5 homozygotes.

Submission:

PreventionGenetics, part of Exact Sciences
Classification: Benign for ACSL4-related condition. Last evaluated: 2019-07-12. Review status: no assertion criteria provided. Collection method: clinical testing. Allele origin: germline.
Comment: This variant is classified as benign based on ACMG/AMP sequence variant interpretation guidelines (Richards et al. 2015 PMID: 25741868, with internal and published modifications).

NM_001318510.2(ACSL4):c.-12-40C>T

Gene: ACSL4 (acyl-CoA synthetase long chain family member 4; minus strand). Cytogenetic location: Xq23.
Variant type: single nucleotide variant.
Coding change: c.-12-40C>T on transcript NM_001318510.2 (MANE Select); 40 bases into the intron before 12 bases upstream of the start codon, C replaced by T.
Molecular consequence: intron variant. On other transcripts: synonymous variant (2).
Genome position (GRCh38, 1-based): chrX:109,683,415, G>A on the plus strand (C>T on the coding strand, the complement: ACSL4 is on the minus strand). VCF-style: chrX-109683415-G-A. GRCh37 (hg19) VCF-style: chrX-108926644-G-A.
Other names: c.72C>T, p.Ala24= (NM_001318509.2, NM_022977.3); c.-9-43C>T (NM_004458.3).
Identifiers: ClinVar variation 3037160 (VCV003037160.2), dbSNP rs140779266, ClinGen allele CA10491255.